The following is an entry in ClinVar:

ClinVar aggregate classification (germline): Pathogenic (1 of 4 stars; one submission).

Conditions:
Marfan syndrome (MFS). Also called: MARFAN SYNDROME, TYPE I; Marfan syndrome type 1; Marfan's syndrome; Marfan syndrome, classic; FBN1-Related Marfan Syndrome. Identifiers: Orphanet 284963, Orphanet 558, MedGen C0024796, MONDO:0007947, OMIM 154700.
Familial thoracic aortic aneurysm and aortic dissection (TAAD). Also called: Thoracic aortic aneurysms and dissections. Identifiers: Orphanet 91387, MedGen C4707243, MONDO:0019625.

Submission:

Labcorp Genetics (formerly Invitae), Labcorp
Classification: Pathogenic for Marfan syndrome; Familial thoracic aortic aneurysm and aortic dissection. Last evaluated: 2023-03-26. Review status: criteria provided, single submitter. Criteria: Invitae Variant Classification Sherloc (09022015). Collection method: clinical testing. Allele origin: germline.
Comment: This variant disrupts the p.Cys1720 amino acid residue in FBN1. Other variant(s) that disrupt this residue have been observed in individuals with FBN1-related conditions (Invitae), which suggests that this may be a clinically significant amino acid residue. This variant affects a cysteine residue in the EGF-like, TGFBP or hybrid motif domains of FBN1. Cysteine residues are believed to be involved in intramolecular disulfide bridges and have been shown to be important for FBN1 protein structure (PMID: 16905551, 19349279). In addition, missense substitutions affecting cysteine residues within these domains are significantly overrepresented among patients with Marfan syndrome (PMID: 16571647, 17701892). Experimental studies have shown that this missense change affects FBN1 function (PMID: 25979247). Advanced modeling of protein sequence and biophysical properties (such as structural, functional, and spatial information, amino acid conservation, physicochemical variation, residue mobility, and thermodynamic stability) performed at Invitae indicates that this missense variant is expected to disrupt FBN1 protein function. This missense change has been observed in individuals with FBN1-related conditions (PMID: 17657824; Invitae). This variant is not present in population databases (gnomAD no frequency). This sequence change replaces cysteine, which is neutral and slightly polar, with tyrosine, which is neutral and polar, at codon 1720 of the FBN1 protein (p.Cys1720Tyr). For these reasons, this variant has been classified as Pathogenic.

Literature cited by the submitters: PubMed 16905551; PubMed 19349279; PubMed 16571647; PubMed 17701892; PubMed 25979247; PubMed 17657824.

NM_000138.5(FBN1):c.5159G>A (p.Cys1720Tyr)

Gene: FBN1 (fibrillin 1; minus strand). Cytogenetic location: 15q21.1.
Variant type: single nucleotide variant.
Coding change: c.5159G>A on transcript NM_000138.5 (MANE Select); coding-DNA position 5159, G replaced by A.
Protein change: p.Cys1720Tyr; replaces cysteine 1720 with tyrosine.
Molecular consequence: missense variant.
Genome position (GRCh38, 1-based): chr15:48,463,147, C>T on the plus strand (G>A on the coding strand, the complement: FBN1 is on the minus strand). VCF-style: chr15-48463147-C-T. GRCh37 (hg19) VCF-style: chr15-48755344-C-T.
Other names: c.5159G>A, p.Cys1720Tyr (NM_001406716.1); short protein forms C1720Y.
Identifiers: ClinVar variation 2925550 (VCV002925550.3), dbSNP rs2505491035, ClinGen allele CA16609288.
Genomic context (GRCh38, chr15:48,463,147, plus strand): 5'-CTTGGGATGGGACACTGTTCACAGGGCTTGTTCCACGCCCGGCCAATGTTGTAGGAACAG[C>T]AGCACATCTTCTTGGTCATGTTGAATAACAATTCTCCATCACAGGTCTGGTTGTCAGCAT-3'
Protein context (NP_000129.3, residues 1710-1730): LLFNMTKKMC[Cys1720Tyr]CSYNIGRAWN